The following is an entry in ClinVar:

ClinVar aggregate classification (germline): Benign. Review status: criteria provided, multiple submitters, no conflicts (2 of 4 stars). 2 submissions from 2 submitters: Benign (2). Last evaluated 2018-01-12.

Conditions:
Cataract 14 multiple types. Also called: CATARACT 14, ZONULAR PULVERULENT; CATARACT 14, NUCLEAR PULVERULENT; CATARACT 14, NUCLEAR PULVERULENT AND POSTERIOR POLAR; CATARACT 14, NUCLEAR CORALLIFORM; CATARACT 14, EMBRYONAL NUCLEAR; CATARACT 14, COPPOCK-LIKE. Identifiers: Orphanet 91492, MedGen C1866078, MONDO:0011162, OMIM 601885.

Allele frequency attached by ClinVar (database versions not stated): gnomAD exomes 0.01289; gnomAD 0.01565 and 0.01615; 1000 Genomes Project 0.00919; TOPMed 0.01707; 1000 Genomes Project 30x 0.00890.
gnomAD v4.1: 2,455 of 153,024 alleles (1.6%); highest among the groups gnomAD compares: Admixed American, 2.4%; 39 homozygotes.

Submissions (2):

Illumina Laboratory Services, Illumina
Classification: Benign for Cataract 14 multiple types. Last evaluated: 2018-01-12. Review status: criteria provided, single submitter. Criteria: ICSL Variant Classification Criteria 13 December 2019. Collection method: clinical testing. Allele origin: germline.
Comment: This variant was observed in the ICSL laboratory as part of a predisposition screen in an ostensibly healthy population. It had not been previously curated by ICSL or reported in the Human Gene Mutation Database (HGMD: prior to June 1st, 2018), and was therefore a candidate for classification through an automated scoring system. Utilizing variant allele frequency, disease prevalence and penetrance estimates, and inheritance mode, an automated score was calculated to assess if this variant is too frequent to cause the disease. Based on the score and internal cut-off values, a variant classified as benign is not then subjected to further curation. The score for this variant resulted in a classification of benign for this disease.

Breakthrough Genomics
Classification: Benign. Review status: criteria provided, single submitter. Criteria: ACMG Guidelines, 2015. Collection method: not provided. Allele origin: germline. Inheritance: Autosomal dominant inheritance. Affected: yes.

NM_021954.4(GJA3):c.*509A>G

Gene: GJA3 (gap junction protein alpha 3; minus strand). Cytogenetic location: 13q12.11.
Variant type: single nucleotide variant.
Coding change: c.*509A>G on transcript NM_021954.4 (MANE Select); 509 bases downstream of the stop codon, A replaced by G.
Molecular consequence: 3 prime UTR variant.
Genome position (GRCh38, 1-based): chr13:20,141,472, T>C on the plus strand (A>G on the coding strand, the complement: GJA3 is on the minus strand). VCF-style: chr13-20141472-T-C. GRCh37 (hg19) VCF-style: chr13-20715611-T-C.
Identifiers: ClinVar variation 311322 (VCV000311322.6), dbSNP rs141040647, ClinGen allele CA10643927.